The following is an entry in ClinVar:

NM_001128431.4(SLC39A14):c.229A>G (p.Asn77Asp)

Gene: SLC39A14 (solute carrier family 39 member 14; plus strand). Cytogenetic location: 8p21.3.
Variant type: single nucleotide variant.
Coding change: c.229A>G on transcript NM_001128431.4 (MANE Select); coding-DNA position 229, A replaced by G.
Protein change: p.Asn77Asp; replaces asparagine 77 with aspartic acid.
Molecular consequence: missense variant.
Genome position (GRCh38, 1-based): chr8:22,404,939, A>G. VCF-style: chr8-22404939-A-G. GRCh37 (hg19) VCF-style: chr8-22262452-A-G.
Other names: c.229A>G, p.Asn77Asp (NM_001135153.3, NM_001135154.3, NM_001351655.2 and 3 more transcripts); c.259A>G, p.Asn87Asp (NM_001351657.2, NM_001351658.2, NM_001351659.2); short protein forms N77D, N87D.
Identifiers: ClinVar variation 4281479 (VCV004281479.7).

ClinVar aggregate classification (germline): Uncertain significance (1 of 4 stars; one submission).

Submission:

CeGaT Center for Human Genetics Tuebingen
Classification: Uncertain significance. Last evaluated: 2025-09-01. Review status: criteria provided, single submitter. Criteria: CeGaT Center For Human Genetics Tuebingen Variant Classification Criteria Version 2. Collection method: clinical testing. Allele origin: germline. Affected: yes. Observed: 1 variant allele.
Comment: SLC39A14: PM2, BP4